The following is an entry in ClinVar:

ClinVar aggregate classification (germline): Uncertain significance (1 of 4 stars; one submission).

Allele frequency attached by ClinVar (database versions not stated): TOPMed 0.00003; gnomAD exomes 0.00004; ExAC below 0.00001.

Submission:

GeneDx
Classification: Uncertain significance. Last evaluated: 2026-10-12. Review status: criteria provided, single submitter. Criteria: GeneDx Variant Classification Process June 2021. Collection method: clinical testing. Allele origin: germline.
Comment: Not observed at significant frequency in large population cohorts (gnomAD); In silico analysis supports that this missense variant has a deleterious effect on protein structure/function; In silico analysis supports a deleterious effect on splicing; Has not been previously published as pathogenic or benign to our knowledge

NM_006907.4(PYCR1):c.598C>T (p.Arg200Cys)

Gene: PYCR1 (pyrroline-5-carboxylate reductase 1; minus strand). Cytogenetic location: 17q25.3.
Variant type: single nucleotide variant.
Coding change: c.598C>T on transcript NM_006907.4 (MANE Select); coding-DNA position 598, C replaced by T.
Protein change: p.Arg200Cys; replaces arginine 200 with cysteine.
Molecular consequence: missense variant. On other transcripts: intron variant (1).
Genome position (GRCh38, 1-based): chr17:81,934,688, G>A on the plus strand (C>T on the coding strand, the complement: PYCR1 is on the minus strand). VCF-style: chr17-81934688-G-A. GRCh37 (hg19) VCF-style: chr17-79892564-G-A.
Other names: c.598C>T, p.Arg200Cys (NM_001282280.2, NM_001330523.2, NM_153824.3); c.679C>T, p.Arg227Cys (NM_001282281.2); c.541-199C>T (NM_001282279.2); short protein forms R200C, R227C.
Identifiers: ClinVar variation 325905 (VCV000325905.8), dbSNP rs778823558, ClinGen allele CA8845376.